The following is an entry in ClinVar:

NM_000407.5(GP1BB):c.278G>A (p.Cys93Tyr)

Genes: SEPT5-GP1BB (SEPT5-GP1BB readthrough; plus strand), GP1BB (glycoprotein Ib platelet subunit beta; plus strand). Cytogenetic location: 22q11.21.
Variant type: single nucleotide variant.
Coding change: c.278G>A on transcript NM_000407.5 (MANE Select); coding-DNA position 278, G replaced by A.
Protein change: p.Cys93Tyr; replaces cysteine 93 with tyrosine.
Molecular consequence: missense variant. On other transcripts: non-coding transcript variant (2).
Genome position (GRCh38, 1-based): chr22:19,724,121, G>A. VCF-style: chr22-19724121-G-A. GRCh37 (hg19) VCF-style: chr22-19711644-G-A.
Other names: short protein forms C93Y.
Identifiers: ClinVar variation 1703861 (VCV001703861.2), dbSNP rs2517805015, ClinGen allele CA410676995.

ClinVar aggregate classification (germline): Likely pathogenic (1 of 4 stars; one submission).

Conditions:
Bernard Soulier syndrome (BSS). Also called: Platelet Glycoprotein 1b, Deficiency of; BLEEDING DISORDER, PLATELET-TYPE, 1; PLATELET GLYCOPROTEIN Ib DEFICIENCY; VON WILLEBRAND FACTOR RECEPTOR DEFICIENCY; GLYCOPROTEIN Ib, PLATELET, DEFICIENCY OF; Giant platelet syndrome. Identifiers: Orphanet 274, MedGen C0005129, MeSH D001606, MONDO:0009276, OMIM 231200.

Submission:

ISTH-SSC Genomics in Thrombosis and Hemostasis, KU Leuven, Center for Molecular and Vascular Biology
Classification: Likely pathogenic for Bernard Soulier syndrome. Review status: criteria provided, single submitter. Criteria: ACMG Guidelines, 2015. Collection method: clinical testing. Allele origin: germline. Affected: yes. Observed: 1 heterozygote.
Comment: Submitted to GoldVariant by Jose María Bastida and José Rivera; Grupo Español de Alteraciones Plaquetarias Congénitas (GEAPC)